The following is an entry in ClinVar:

ClinVar aggregate classification (germline): Benign. Review status: criteria provided, multiple submitters, no conflicts (2 of 4 stars). 2 submissions from 2 submitters: Benign (2). Last evaluated 2018-01-13.

Conditions:
Cystinuria (CSNU). Also called: CYSTINURIA, TYPE I; CYSTINURIA, TYPE II; CYSTINURIA, TYPE III; Cystinuria, non-type I. Identifiers: Orphanet 214, MedGen C0010691, MONDO:0009067, OMIM 220100, HP:0003131.

Allele frequency attached by ClinVar (database versions not stated): 1000 Genomes Project 0.53974; 1000 Genomes Project 30x 0.54310; TOPMed 0.61502; gnomAD 0.63364 and 0.63605; gnomAD exomes 0.71667.
gnomAD v4.1: 96,354 of 151,986 alleles (63%); highest among the groups gnomAD compares: Non-Finnish European, 75%; 32,093 homozygotes.

Submissions (2):

Illumina Laboratory Services, Illumina
Classification: Benign for Cystinuria. Last evaluated: 2018-01-13. Review status: criteria provided, single submitter. Criteria: ICSL Variant Classification Criteria 13 December 2019. Collection method: clinical testing. Allele origin: germline.
Comment: This variant was observed in the ICSL laboratory as part of a predisposition screen in an ostensibly healthy population. It had not been previously curated by ICSL or reported in the Human Gene Mutation Database (HGMD: prior to June 1st, 2018), and was therefore a candidate for classification through an automated scoring system. Utilizing variant allele frequency, disease prevalence and penetrance estimates, and inheritance mode, an automated score was calculated to assess if this variant is too frequent to cause the disease. Based on the score and internal cut-off values, a variant classified as benign is not then subjected to further curation. The score for this variant resulted in a classification of benign for this disease.

Breakthrough Genomics
Classification: Benign. Review status: criteria provided, single submitter. Criteria: ACMG Guidelines, 2015. Collection method: not provided. Allele origin: germline. Inheritance: Autosomal dominant inheritance. Affected: yes.

NM_014270.5(SLC7A9):c.-172T>A

Gene: SLC7A9 (solute carrier family 7 member 9; minus strand). Cytogenetic location: 19q13.11.
Variant type: single nucleotide variant.
Coding change: c.-172T>A on transcript NM_014270.5 (MANE Select); 172 bases upstream of the start codon, T replaced by A.
Molecular consequence: 5 prime UTR variant.
Genome position (GRCh38, 1-based): chr19:32,869,746, A>T on the plus strand (T>A on the coding strand, the complement: SLC7A9 is on the minus strand). VCF-style: chr19-32869746-A-T. GRCh37 (hg19) VCF-style: chr19-33360652-A-T.
Other names: c.-86T>A (NM_001126335.2); c.-181T>A (NM_001243036.2).
Identifiers: ClinVar variation 328774 (VCV000328774.6), dbSNP rs2287876, ClinGen allele CA10642592.